The following is an entry in ClinVar:

ClinVar aggregate classification (germline): Pathogenic (1 of 4 stars; one submission).

Submission:

Labcorp Genetics (formerly Invitae), Labcorp
Classification: Pathogenic. Last evaluated: 2021-09-14. Review status: criteria provided, single submitter. Criteria: Invitae Variant Classification Sherloc (09022015). Collection method: clinical testing. Allele origin: germline.
Comment: For these reasons, this variant has been classified as Pathogenic. This sequence change replaces cysteine with arginine at codon 77 of the UMOD protein (p.Cys77Arg). The cysteine residue is weakly conserved and there is a large physicochemical difference between cysteine and arginine. This variant is not present in population databases (ExAC no frequency). This missense change has been observed in individual(s) with hyperuricemic nephropathy (PMID: 27764983). It has also been observed to segregate with disease in related individuals. Algorithms developed to predict the effect of missense changes on protein structure and function are either unavailable or do not agree on the potential impact of this missense change (SIFT: "Deleterious"; PolyPhen-2: "Probably Damaging"; Align-GVGD: "Class C0").

Literature cited by the submitters: PubMed 27764983.

NM_003361.4(UMOD):c.229T>C (p.Cys77Arg)

Gene: UMOD (uromodulin; minus strand). Cytogenetic location: 16p12.3.
Variant type: single nucleotide variant.
Coding change: c.229T>C on transcript NM_003361.4 (MANE Select); coding-DNA position 229, T replaced by C.
Protein change: p.Cys77Arg; replaces cysteine 77 with arginine.
Molecular consequence: missense variant. On other transcripts: non-coding transcript variant (1).
Genome position (GRCh38, 1-based): chr16:20,349,072, A>G on the plus strand (T>C on the coding strand, the complement: UMOD is on the minus strand). VCF-style: chr16-20349072-A-G. GRCh37 (hg19) VCF-style: chr16-20360394-A-G.
Other names: c.229T>C, p.Cys77Arg (NM_001008389.3, NM_001378232.1, NM_001378233.1 and 3 more transcripts); c.328T>C, p.Cys110Arg (NM_001278614.2); short protein forms C77R, C110R.
Identifiers: ClinVar variation 1458183 (VCV001458183.6), dbSNP rs2141676806, ClinGen allele CA394987210.